The following is an entry in ClinVar:

ClinVar aggregate classification (germline): Likely pathogenic, low penetrance (1 of 4 stars; one submission).

Conditions:
CFI-related disorder. Also called: CFI-related condition; CFI-related disorders. Identifiers: MedGen CN239325.

Submission:

Genomenon, Inc
Classification: Likely pathogenic, low penetrance for CFI-related disorder. Last evaluated: 2025-09-26. Review status: criteria provided, single submitter. Criteria: Genomenon Sequence Variant Interpretation Standards - Updated. Collection method: curation. Allele origin: germline. Affected: yes.
Comment: CFI p.Gly243Val (c.728G>T) is a missense variant that changes the amino acid at residue 243 from Glycine to Valine. This variant has been observed in at least one proband affected with a CFI-related disorder (PMID:28858176). The variant is located in a mutational hotspot. It is absent or not present at a significant frequency in gnomAD. In silico models agree that this variant is possibly or probably damaging. In conclusion, we classify CFI p.Gly243Val (c.728G>T) as a likely pathogenic, low penetrance variant.

Literature cited by the submitters: PubMed 28858176.

NM_000204.5(CFI):c.728G>T (p.Gly243Val)

Gene: CFI (complement factor I; minus strand). Cytogenetic location: 4q25.
Variant type: single nucleotide variant.
Coding change: c.728G>T on transcript NM_000204.5 (MANE Select); coding-DNA position 728, G replaced by T.
Protein change: p.Gly243Val; replaces glycine 243 with valine.
Molecular consequence: missense variant. On other transcripts: non-coding transcript variant (3).
Genome position (GRCh38, 1-based): chr4:109,760,567, C>A on the plus strand (G>T on the coding strand, the complement: CFI is on the minus strand). VCF-style: chr4-109760567-C-A. GRCh37 (hg19) VCF-style: chr4-110681723-C-A.
Other names: c.728G>T, p.Gly243Val (NM_001318057.2, NM_001331035.2, NM_001375278.1 and 10 more transcripts); c.119G>T, p.Gly40Val (NM_001375284.1); short protein forms G243V, G40V.
Identifiers: ClinVar variation 4280479 (VCV004280479.1).